The following is an entry in ClinVar:

NM_032861.4(SERAC1):c.-1A>T

Gene: SERAC1 (serine active site containing 1; minus strand). Cytogenetic location: 6q25.3.
Variant type: single nucleotide variant.
Coding change: c.-1A>T on transcript NM_032861.4 (MANE Select); 1 bases upstream of the start codon, A replaced by T.
Molecular consequence: 5 prime UTR variant. On other transcripts: non-coding transcript variant (1).
Genome position (GRCh38, 1-based): chr6:158,158,364, T>A on the plus strand (A>T on the coding strand, the complement: SERAC1 is on the minus strand). VCF-style: chr6-158158364-T-A. GRCh37 (hg19) VCF-style: chr6-158579396-T-A.
Other names: NC_000006.11:g.158579396T>A.
Identifiers: ClinVar variation 2573630 (VCV002573630.5), dbSNP rs202043206, ClinGen allele CA4071497.

ClinVar aggregate classification (germline): Conflicting classifications of pathogenicity. Review status: criteria provided, conflicting classifications (1 of 4 stars). 4 submissions from 4 submitters: Uncertain significance (2); Likely benign (2). Last evaluated 2024-12-30.

Conditions:
SERAC1-related disorder. Also called: SERAC1-related disorders; SERAC1-related condition.
Leigh syndrome (NULS). Also called: Leigh's syndrome; Leigh Disease; Subacute necrotizing encephalopathy; Necrotizing encephalopathy infantile subacute of Leigh; LEIGH SYNDROME, NUCLEAR; Leigh's necrotizing encephalopathy. Identifiers: Orphanet 506, MedGen C2931891, MONDO:0009723, OMIM 256000.

Allele frequency attached by ClinVar (database versions not stated): gnomAD exomes 0.00013; gnomAD 0.00014; TOPMed 0.00014; ExAC 0.00016.

Submissions (5):

PreventionGenetics, part of Exact Sciences
Classification: Likely benign for SERAC1-related condition. Last evaluated: 2024-12-30. Review status: criteria provided, single submitter. Criteria: ACMG Guidelines, 2015. Collection method: clinical testing. Allele origin: germline.
Comment: This variant is classified as likely benign based on ACMG/AMP sequence variant interpretation guidelines (Richards et al. 2015 PMID: 25741868, with internal and published modifications).

Blueprint Genetics
Classification: Likely benign. Last evaluated: 2024-06-13. Review status: criteria provided, single submitter. Criteria: ACMG Guidelines, 2015. Collection method: clinical testing. Allele origin: germline.

Department of Pathology and Laboratory Medicine, Sinai Health System
Classification: Uncertain significance for Leigh syndrome. Last evaluated: 2023-10-04. Review status: criteria provided, single submitter. Criteria: ACMG Guidelines, 2015. Collection method: research. Allele origin: germline.

Women's Health and Genetics/Laboratory Corporation of America, LabCorp
Classification: Uncertain significance. Last evaluated: 2023-06-08. Review status: criteria provided, single submitter. Criteria: LabCorp Variant Classification Summary - May 2015. Collection method: clinical testing. Allele origin: germline.
Comment: Variant summary: SERAC1 c.-1A>T is located in the 5' untranslated mRNA region upstream of the initiation codon. The variant allele was found at a frequency of 0.00023 in 250022 control chromosomes (gnomAD). To our knowledge, no occurrence of c.-1A>T in individuals affected with 3-Methylglutaconic Aciduria With Deafness, Encephalopathy, And Leigh-Like Syndrome and no experimental evidence demonstrating its impact on protein function have been reported. No clinical diagnostic laboratories have submitted clinical-significance assessments for this variant to ClinVar after 2014. Based on the evidence outlined above, the variant was classified as uncertain significance.

Dr. Peter K. Rogan Lab, Western University
No classification provided (evidence only). Condition: Lung cancer. Review status: no classification provided. Collection method: in vitro. Allele origin: not applicable. Functional consequence: retained intron. Not counted in ClinVar's aggregate classification.